The following is an entry in ClinVar:

ClinVar aggregate classification (germline): Uncertain significance (1 of 4 stars; one submission).

Submission:

CeGaT Center for Human Genetics Tuebingen
Classification: Uncertain significance. Last evaluated: 2026-07-01. Review status: criteria provided, single submitter. Criteria: CeGaT Center For Human Genetics Tuebingen Variant Classification Criteria Version 2. Collection method: clinical testing. Allele origin: germline. Affected: yes. Observed: 1 variant allele.
Comment: SALL1: PM2

NM_002968.3(SALL1):c.14A>G (p.Lys5Arg)

Gene: SALL1 (spalt like transcription factor 1; minus strand). Cytogenetic location: 16q12.1.
Variant type: single nucleotide variant.
Coding change: c.14A>G on transcript NM_002968.3 (MANE Select); coding-DNA position 14, A replaced by G.
Protein change: p.Lys5Arg; replaces lysine 5 with arginine.
Molecular consequence: missense variant.
Genome position (GRCh38, 1-based): chr16:51,151,228, T>C on the plus strand (A>G on the coding strand, the complement: SALL1 is on the minus strand). VCF-style: chr16-51151228-T-C. GRCh37 (hg19) VCF-style: chr16-51185139-T-C.
Other names: short protein forms K5R.
Identifiers: ClinVar variation 5040016 (VCV005040016.1).